The following is an entry in ClinVar:

ClinVar aggregate classification (germline): Uncertain significance. Review status: criteria provided, multiple submitters, no conflicts (2 of 4 stars). 2 submissions from 2 submitters: Uncertain significance (2). Last evaluated 2023-05-09.

Conditions:
Inborn genetic diseases. Identifiers: MedGen C0950123, MeSH D030342.

gnomAD v4.1: 3 of 1,614,114 alleles (0.00019%); highest among the groups gnomAD compares: East Asian, 0.0067%; no homozygotes.

Submissions (2):

Ambry Genetics
Classification: Uncertain significance for Inborn genetic diseases. Last evaluated: 2023-05-09. Review status: criteria provided, single submitter. Criteria: Ambry Variant Classification Scheme 2023. Collection method: clinical testing. Allele origin: germline.

GeneDx
Classification: Uncertain significance. Last evaluated: 2022-01-26. Review status: criteria provided, single submitter. Criteria: GeneDx Variant Classification Process June 2021. Collection method: clinical testing. Allele origin: germline. Affected: yes.
Comment: Has not been previously published as pathogenic or benign to our knowledge; Not observed at significant frequency in large population cohorts (gnomAD); In silico analysis supports that this missense variant does not alter protein structure/function

NM_005909.5(MAP1B):c.4628A>T (p.Tyr1543Phe)

Gene: MAP1B (microtubule associated protein 1B; plus strand). Cytogenetic location: 5q13.2.
Variant type: single nucleotide variant.
Coding change: c.4628A>T on transcript NM_005909.5 (MANE Select); coding-DNA position 4628, A replaced by T.
Protein change: p.Tyr1543Phe; replaces tyrosine 1543 with phenylalanine.
Molecular consequence: missense variant.
Genome position (GRCh38, 1-based): chr5:72,197,983, A>T. VCF-style: chr5-72197983-A-T. GRCh37 (hg19) VCF-style: chr5-71493810-A-T.
Other names: c.4250A>T, p.Tyr1417Phe (NM_001324255.2); short protein forms Y1417F, Y1543F.
Identifiers: ClinVar variation 1699771 (VCV001699771.4), dbSNP rs1244506693, ClinGen allele CA360016742.